The following is an entry in ClinVar:

NM_015178.3(RHOBTB2):c.843C>G (p.His281Gln)

Gene: RHOBTB2 (Rho related BTB domain containing 2; plus strand). Cytogenetic location: 8p21.3.
Variant type: single nucleotide variant.
Coding change: c.843C>G on transcript NM_015178.3 (MANE Select); coding-DNA position 843, C replaced by G.
Protein change: p.His281Gln; replaces histidine 281 with glutamine.
Molecular consequence: missense variant.
Genome position (GRCh38, 1-based): chr8:23,007,088, C>G. VCF-style: chr8-23007088-C-G. GRCh37 (hg19) VCF-style: chr8-22864601-C-G.
Other names: c.909C>G, p.His303Gln (NM_001160036.2); c.864C>G, p.His288Gln (NM_001160037.2); c.843C>G, p.His281Gln (NM_001374791.1); short protein forms H288Q, H281Q, H303Q.
Identifiers: ClinVar variation 4795618 (VCV004795618.1).

ClinVar aggregate classification (germline): Uncertain significance (1 of 4 stars; one submission).

Submission:

GeneDx
Classification: Uncertain significance. Last evaluated: 2025-08-08. Review status: criteria provided, single submitter. Criteria: GeneDx Variant Classification Process June 2021. Collection method: clinical testing. Allele origin: germline. Affected: yes.
Comment: Not observed at significant frequency in large population cohorts (gnomAD); In silico analysis supports that this missense variant has a deleterious effect on protein structure/function; Has not been previously published as pathogenic or benign to our knowledge